The following is an entry in ClinVar:

NM_000051.4(ATM):c.5497-7A>G

Gene: ATM (ATM serine/threonine kinase; plus strand). Cytogenetic location: 11q22.3.
Variant type: single nucleotide variant.
Coding change: c.5497-7A>G on transcript NM_000051.4 (MANE Select); 7 bases into the intron before coding-DNA position 5497, A replaced by G.
Molecular consequence: intron variant.
Genome position (GRCh38, 1-based): chr11:108,304,668, A>G. VCF-style: chr11-108304668-A-G. GRCh37 (hg19) VCF-style: chr11-108175395-A-G.
Other names: c.5497-7A>G (NM_001351834.2).
Identifiers: ClinVar variation 1113882 (VCV001113882.10), dbSNP rs2135942246, ClinGen allele CA2499220658.
Genomic context (GRCh38, chr11:108,304,668, plus strand): 5'-AAGTAAAATGTATTAATTTTACTCATTTTTACTCAAACTATTGGGTGGATTTGTTTGTAT[A>G]TTCTAGGTGAAAACTGACTTTTGTCAGACTGTACTTCCATACTTGATTCATGATATTTTA-3'

ClinVar aggregate classification (germline): Likely benign. Review status: criteria provided, multiple submitters, no conflicts (2 of 4 stars). 2 submissions from 2 submitters: Likely benign (2). Last evaluated 2024-05-23.

Conditions:
Familial cancer of breast. Also called: BREAST CANCER, FAMILIAL; Hereditary breast cancer; hereditary breast carcinoma. Identifiers: Orphanet 227535, MedGen C0346153, MONDO:0016419, OMIM 114480. Disease mechanism: loss of function.
Ataxia-telangiectasia syndrome (AT). Also called: Ataxia-telangiectasia, complementation group E; Cerebello-oculocutaneous telangiectasia; Immunodeficiency with ataxia telangiectasia; AT, COMPLEMENTATION GROUP C; Ataxia-telangiectasia, complementation group D; Ataxia telangiectasia (A-T). Identifiers: Orphanet 100, MedGen C0004135, MONDO:0008840, OMIM 208900.

Submissions (2):

Myriad Genetics, Inc.
Classification: Likely benign for Familial cancer of breast. Last evaluated: 2024-05-23. Review status: criteria provided, single submitter. Criteria: Myriad Autosomal Dominant, Autosomal Recessive and X-Linked Classification Criteria (2023). Collection method: clinical testing. Allele origin: unknown.
Comment: This variant is considered likely benign. This variant is intronic and is not expected to impact mRNA splicing.

Labcorp Genetics (formerly Invitae), Labcorp
Classification: Likely benign for Ataxia-telangiectasia syndrome. Last evaluated: 2023-01-17. Review status: criteria provided, single submitter. Criteria: Invitae Variant Classification Sherloc (09022015). Collection method: clinical testing. Allele origin: germline.